The following is an entry in ClinVar:

NM_000179.3(MSH6):c.494T>G (p.Phe165Cys)

Gene: MSH6 (mutS homolog 6; plus strand). Cytogenetic location: 2p16.3.
Variant type: single nucleotide variant.
Coding change: c.494T>G on transcript NM_000179.3 (MANE Select); coding-DNA position 494, T replaced by G.
Protein change: p.Phe165Cys; replaces phenylalanine 165 with cysteine.
Molecular consequence: missense variant. On other transcripts: 5 prime UTR variant (1), intron variant (2).
Genome position (GRCh38, 1-based): chr2:47,795,930, T>G. VCF-style: chr2-47795930-T-G. GRCh37 (hg19) VCF-style: chr2-48023069-T-G.
Other names: c.-409T>G (NM_001281494.2); c.-279-2681T>G (NM_001281493.2); c.238-2681T>G (NM_001281492.2); short protein forms F165C.
Identifiers: ClinVar variation 231130 (VCV000231130.30), dbSNP rs763841886, ClinGen allele CA073070.

ClinVar aggregate classification (germline): Conflicting classifications of pathogenicity. Review status: criteria provided, conflicting classifications (1 of 4 stars). 9 submissions from 9 submitters: Uncertain significance (8); Likely benign (1). Last evaluated 2026-03-18.

Conditions:
Hereditary cancer. Identifiers: MedGen C1333600.
Hereditary cancer-predisposing syndrome. Also called: Neoplastic Syndromes, Hereditary; Hereditary Cancer Syndrome; Tumor predisposition; Hereditary neoplastic syndrome. Identifiers: Orphanet 140162, MedGen C0027672, MeSH D009386, MONDO:0015356.
Lynch syndrome. Identifiers: Orphanet 144, MedGen C4552100, MONDO:0005835. Disease mechanism: loss of function.
Hereditary nonpolyposis colorectal neoplasms. Identifiers: MedGen C0009405, MeSH D003123.

Allele frequency attached by ClinVar (database versions not stated): gnomAD exomes below 0.00001 and 0.00001; TOPMed below 0.00001; ExAC 0.00002.
gnomAD v4.1: 5 of 1,614,188 alleles (0.00031%); highest among the groups gnomAD compares: Non-Finnish European, 0.00042%; no homozygotes.

Submissions (9):

Ambry Genetics
Classification: Uncertain significance for Hereditary cancer-predisposing syndrome. Last evaluated: 2026-03-18. Review status: criteria provided, single submitter. Criteria: Ambry Variant Classification Scheme 2023. Collection method: clinical testing. Allele origin: germline.
Comment: The p.F165C variant (also known as c.494T>G), located in coding exon 3 of the MSH6 gene, results from a T to G substitution at nucleotide position 494. The phenylalanine at codon 165 is replaced by cysteine, an amino acid with highly dissimilar properties. This amino acid position is highly conserved in available vertebrate species. In addition, this alteration is predicted to be deleterious by in silico analysis. Based on the available evidence, the clinical significance of this variant remains unclear.

Women's Health and Genetics/Laboratory Corporation of America, LabCorp
Classification: Uncertain significance. Last evaluated: 2025-10-10. Review status: criteria provided, single submitter. Criteria: LabCorp Variant Classification Summary - May 2015. Collection method: clinical testing. Allele origin: germline.
Comment: Variant summary: MSH6 c.494T>G (p.Phe165Cys) results in a non-conservative amino acid change in the encoded protein sequence. Algorithms developed to predict the effect of missense changes on protein structure and function are either unavailable or do not agree on the potential impact of this missense change. The variant allele was found at a frequency of 8e-06 in 251434 control chromosomes. The available data on variant occurrences in the general population are insufficient to allow any conclusion about variant significance. c.494T>G has been observed in individual(s) affected with MSH6-related cancer (Agaoglu_2024, Schwartz_2022, Bono_2021). These data do not allow any conclusion about variant significance. To our knowledge, no experimental evidence demonstrating an impact on protein function has been reported. The following publications have been ascertained in the context of this evaluation (PMID: 38308423, 34371384, 36091175). ClinVar contains an entry for this variant (Variation ID: 231130). Based on the evidence outlined above, the variant was classified as uncertain significance.

Labcorp Genetics (formerly Invitae), Labcorp
Classification: Likely benign for Hereditary nonpolyposis colorectal neoplasms. Last evaluated: 2025-09-06. Review status: criteria provided, single submitter. Criteria: Invitae Variant Classification Sherloc (09022015). Collection method: clinical testing. Allele origin: germline.

Color Diagnostics, LLC DBA Color Health
Classification: Uncertain significance for Hereditary cancer-predisposing syndrome. Last evaluated: 2024-09-03. Review status: criteria provided, single submitter. Criteria: ACMG Guidelines, 2015. Collection method: clinical testing. Allele origin: germline.
Comment: This missense variant replaces phenylalanine with cysteine at codon 165 of the MSH6 protein. Computational prediction suggests that this variant may not impact protein structure and function (internally defined REVEL score threshold <= 0.5, PMID: 27666373). To our knowledge, functional studies have not been reported for this variant. This variant has been reported in an individual affected with an unspecified cancer (PMID: 31391288). This variant has been identified in 2/251434 chromosomes in the general population by the Genome Aggregation Database (gnomAD). The available evidence is insufficient to determine the role of this variant in disease conclusively. Therefore, this variant is classified as a Variant of Uncertain Significance.

Mendelics
Classification: Uncertain significance for Hereditary cancer. Last evaluated: 2024-08-12. Review status: criteria provided, single submitter. Criteria: ACMG Guidelines, 2015. Collection method: clinical testing. Allele origin: unknown.

Blueprint Genetics
Classification: Uncertain significance. Last evaluated: 2024-05-20. Review status: criteria provided, single submitter. Criteria: ACMG Guidelines, 2015. Collection method: clinical testing. Allele origin: germline.

All of Us Research Program, National Institutes of Health
Classification: Uncertain significance for Lynch syndrome. Last evaluated: 2023-06-08. Review status: criteria provided, single submitter. Criteria: ACMG Guidelines, 2015. Collection method: clinical testing. Allele origin: germline. Inheritance: Autosomal dominant inheritance. Observed: 2 variant alleles, 2 heterozygotes.
Comment: This missense variant replaces phenylalanine with cysteine at codon 165 of the MSH6 protein. Computational prediction suggests that this variant may not impact protein structure and function (internally defined REVEL score threshold <= 0.5, PMID: 27666373). Splice site prediction tools suggest that this variant may not impact RNA splicing. To our knowledge, functional studies have not been reported for this variant. This variant has not been reported in individuals affected with hereditary cancer in the literature. This variant has been identified in 2/251434 chromosomes in the general population by the Genome Aggregation Database (gnomAD). The available evidence is insufficient to determine the role of this variant in disease conclusively. Therefore, this variant is classified as a Variant of Uncertain Significance.

This study involves interpretation of variants in research participants for the purpose of population health screening. Participant phenotype was not available at the time of variant classification. Additional details can be found in publication PMID: 35346344, PMCID: PMC8962531

GeneDx
Classification: Uncertain significance. Last evaluated: 2023-05-03. Review status: criteria provided, single submitter. Criteria: GeneDx Variant Classification Process June 2021. Collection method: clinical testing. Allele origin: germline. Affected: yes.
Comment: Not observed at significant frequency in large population cohorts (gnomAD); In silico analysis supports that this missense variant has a deleterious effect on protein structure/function; Obsvered in an individual with clear cell renal carcinoma, as well as in individuals with unspecified tumors evaluated by microsatellite instability and mismatch repair immunohistochemistry (Li et al., 2020; Schwartz et al., 2022); This variant is associated with the following publications: (PMID: 18566663, 22949387, 31391288, 36091175, 33471991)

Quest Diagnostics Nichols Institute San Juan Capistrano
Classification: Uncertain significance. Last evaluated: 2023-02-16. Review status: criteria provided, single submitter. Criteria: Quest Diagnostics criteria. Collection method: clinical testing. Allele origin: unknown.
Comment: The frequency of this variant in the general population, 0.000018 (2/113714 chromosomes), is uninformative in assessment of its pathogenicity. In the published literature, the variant has been reported in an individual with cancer assessed by microsatellite instability (PMID: 31391288 (2020)). In a large-scale breast cancer association study, the variant was observed in a control individual and not among the breast cancer cases (PMID: 33471991 (2021), see also LOVD). Analysis of this variant using bioinformatics tools for the prediction of the effect of amino acid changes on protein structure and function yielded predictions that this variant is benign or damaging. Based on the available information, we are unable to determine the clinical significance of this variant.

Literature cited by the submitters: PubMed 33471991 (cited by Ambry Genetics and Quest Diagnostics Nichols Institute San Juan Capistrano); PubMed 34371384 (cited by Women's Health and Genetics/Laboratory Corporation of America, LabCorp); PubMed 36091175 (cited by Women's Health and Genetics/Laboratory Corporation of America, LabCorp); PubMed 38308423 (cited by Women's Health and Genetics/Laboratory Corporation of America, LabCorp); PubMed 31391288 (cited by Color Diagnostics, LLC DBA Color Health and Quest Diagnostics Nichols Institute San Juan Capistrano).